The following is an entry in ClinVar:

NM_006258.4(PRKG1):c.1073C>G (p.Ala358Gly)

Gene: PRKG1 (protein kinase cGMP-dependent 1; plus strand). Cytogenetic location: 10q21.1.
Variant type: single nucleotide variant.
Coding change: c.1073C>G on transcript NM_006258.4 (MANE Select); coding-DNA position 1073, C replaced by G.
Protein change: p.Ala358Gly; replaces alanine 358 with glycine.
Molecular consequence: missense variant. On other transcripts: 5 prime UTR variant (1).
Genome position (GRCh38, 1-based): chr10:52,161,960, C>G. VCF-style: chr10-52161960-C-G. GRCh37 (hg19) VCF-style: chr10-53921720-C-G.
Other names: c.1073C>G (NM_006258.3); c.1028C>G, p.Ala343Gly (NM_001098512.3); c.-137C>G (NM_001374781.1); short protein forms A358G, A343G.
Identifiers: ClinVar variation 1523496 (VCV001523496.8), dbSNP rs754567668, ClinGen allele CA5503739.

ClinVar aggregate classification (germline): Uncertain significance. Review status: criteria provided, multiple submitters, no conflicts (2 of 4 stars). 3 submissions from 3 submitters: Uncertain significance (3). Last evaluated 2023-12-13.

Conditions:
Aortic aneurysm, familial thoracic 8 (AAT8). Identifiers: MedGen C3809513, MONDO:0014187, OMIM 615436.

Allele frequency attached by ClinVar (database versions not stated): gnomAD 0.00001; gnomAD exomes 0.00002; TOPMed 0.00002; ExAC 0.00003.
gnomAD v4.1: 4 of 1,609,588 alleles (0.00025%); highest among the groups gnomAD compares: Admixed American, 0.005%; no homozygotes.

Submissions (3):

GeneDx
Classification: Uncertain significance. Last evaluated: 2023-12-13. Review status: criteria provided, single submitter. Criteria: GeneDx Variant Classification Process June 2021. Collection method: clinical testing. Allele origin: germline. Affected: yes.
Comment: Not observed at significant frequency in large population cohorts (gnomAD); In silico analysis supports that this missense variant does not alter protein structure/function; Has not been previously published as pathogenic or benign to our knowledge

Labcorp Genetics (formerly Invitae), Labcorp
Classification: Uncertain significance for Aortic aneurysm, familial thoracic 8. Last evaluated: 2022-11-19. Review status: criteria provided, single submitter. Criteria: Invitae Variant Classification Sherloc (09022015). Collection method: clinical testing. Allele origin: germline.
Comment: In summary, the available evidence is currently insufficient to determine the role of this variant in disease. Therefore, it has been classified as a Variant of Uncertain Significance. Algorithms developed to predict the effect of missense changes on protein structure and function (SIFT, PolyPhen-2, Align-GVGD) all suggest that this variant is likely to be tolerated. ClinVar contains an entry for this variant (Variation ID: 1523496). This variant has not been reported in the literature in individuals affected with PRKG1-related conditions. This variant is present in population databases (rs754567668, gnomAD 0.01%). This sequence change replaces alanine, which is neutral and non-polar, with glycine, which is neutral and non-polar, at codon 358 of the PRKG1 protein (p.Ala358Gly).

Fulgent Genetics
Classification: Uncertain significance for Aortic aneurysm, familial thoracic 8. Last evaluated: 2021-09-24. Review status: criteria provided, single submitter. Criteria: ACMG Guidelines, 2015. Collection method: clinical testing. Allele origin: unknown.